The following is an entry in ClinVar:

NM_000059.4(BRCA2):c.2289del (p.His763fs)

Gene: BRCA2 (BRCA2 DNA repair associated; plus strand). Cytogenetic location: 13q13.1.
Variant type: Deletion.
Coding change: c.2289del on transcript NM_000059.4 (MANE Select); coding-DNA position 2289, one base deleted (T; older notation c.2289delT).
Protein change: p.His763fs; shifts the reading frame from histidine 763.
Molecular consequence: frameshift variant. On other transcripts: non-coding transcript variant (1), intron variant (2).
Genome position (GRCh38, 1-based): chr13:32,336,644, T deleted. VCF-style (leftmost placement, unchanged base first): chr13-32336643-AT-A. GRCh37 (hg19) VCF-style: chr13-32910780-AT-A.
Other names: c.2289del, p.His763fs (NM_001406719.1, NM_001406720.1, NM_001432077.1); c.1909+3257del (NM_001406721.1); c.424+5614del (NM_001406722.1); short protein forms H763fs.
Identifiers: ClinVar variation 5018855 (VCV005018855.2).
Genomic context (GRCh38, chr13:32,336,643, plus strand): 5'-ATTCAAAAGTGGAATACAGTGATACTGACTTTCAATCCCAGAAAAGTCTTTTATATGATC[AT>A]GAAAATGCCAGCACTCTTATTTTAACTCCTACTTCCAAGGATGTTCTGTCAAACCTAGTC-3'

ClinVar aggregate classification (germline): Pathogenic (1 of 4 stars; one submission).

Conditions:
Breast-ovarian cancer, familial, susceptibility to, 2 (BROVCA2). Also called: BRCA2 Hereditary Breast and Ovarian Cancer. Identifiers: Orphanet 145, MedGen C2675520, MONDO:0012933, OMIM 612555. Disease mechanism: loss of function.

Submission:

Juno Genomics, Hangzhou Juno Genomics, Inc
Classification: Pathogenic for Breast-ovarian cancer, familial, susceptibility to, 2. Review status: criteria provided, single submitter. Criteria: ACMG Guidelines, 2015. Collection method: clinical testing. Allele origin: germline.
Comment: Absent from controls (or at extremely low frequency if recessive) in Genome Aggregation Database.;Null variant in a gene where loss of function (LOF) is a known mechanism of disease.;Novel missense change at an amino acid residue where a different missense change determined to be pathogenic has been seen before.